The following is an entry in ClinVar:

ClinVar aggregate classification (germline): Pathogenic (0 of 4 stars; one submission).

Conditions:
Dyskeratosis congenita, autosomal dominant 1 (DKCA1). Also called: Dyskeratosis congenita Scoggins type. Identifiers: Orphanet 1775, MedGen C4551974, MONDO:0007485, OMIM 127550. Inheritance: Variable.

Submission:

GeneReviews
Classification: Pathogenic for Dyskeratosis Congenita. Last evaluated: 2012-05-10. Review status: no assertion criteria provided. Collection method: curation. Allele origin: unknown.
ClinVar note: Converted during submission from pathologic to Pathogenic.

NC_000003.12:g.169765299AG[1]

Genes: TERC (telomerase RNA component; minus strand), LOC110806306 (telomerase RNA component (TERC) promoter; plus strand). Cytogenetic location: 3q26.2.
Variant type: Microsatellite.
Genome position: GRCh38 VCF-style: chr3-169765298-CAG-C. GRCh37 (hg19) VCF-style: chr3-169483086-CAG-C.
Other names: NR_001566.1:r.-240delct.
Identifiers: ClinVar variation 39279 (VCV000039279.4), dbSNP rs199422255, ClinGen allele CA343751.
Genomic context (GRCh38, chr3:169,765,298, plus strand): 5'-GGGAAAGGCTTTGCGTCTTTACTTCCGACCTTCTTTAAAGGTGAAACTAACTTGAGGTAT[CAG>C]AGGGCCTTTTTTCTATCCTCTGCAGACCAGACGCGGTTCACCTCGACTACCTTAAAAATG-3'